The following is an entry in ClinVar:

ClinVar aggregate classification (germline): Likely benign. Review status: criteria provided, multiple submitters, no conflicts (2 of 4 stars). 2 submissions from 2 submitters: Likely benign (2). Last evaluated 2025-02-01.

Conditions:
Familial temporal lobe epilepsy 7. Identifiers: Orphanet 101046, MedGen C4225327, MONDO:0014639, OMIM 616436.
Norman-Roberts syndrome (LIS2). Also called: Lissencephaly 2 (Norman-Roberts type). Identifiers: Orphanet 89844, MedGen C0796089, MONDO:0009760, OMIM 257320.

Allele frequency attached by ClinVar (database versions not stated): gnomAD exomes below 0.00001.
gnomAD v4.1: 4 of 1,613,930 alleles (0.00025%); highest among the groups gnomAD compares: African/African-American, 0.0027%; no homozygotes.

Submissions (2):

CeGaT Center for Human Genetics Tuebingen
Classification: Likely benign. Last evaluated: 2025-02-01. Review status: criteria provided, single submitter. Criteria: CeGaT Center For Human Genetics Tuebingen Variant Classification Criteria Version 2. Collection method: clinical testing. Allele origin: germline. Affected: yes. Observed: 1 variant allele.
Comment: RELN: BP4, BP7

Labcorp Genetics (formerly Invitae), Labcorp
Classification: Likely benign for Familial temporal lobe epilepsy 7; Norman-Roberts syndrome. Last evaluated: 2023-12-11. Review status: criteria provided, single submitter. Criteria: Invitae Variant Classification Sherloc (09022015). Collection method: clinical testing. Allele origin: germline.

NM_005045.4(RELN):c.7344T>C (p.Tyr2448=)

Gene: RELN (reelin; minus strand). Cytogenetic location: 7q22.1.
Variant type: single nucleotide variant.
Coding change: c.7344T>C on transcript NM_005045.4 (MANE Select); coding-DNA position 7344, T replaced by C.
Protein change: p.Tyr2448=; no amino-acid change (tyrosine 2448 retained).
Molecular consequence: synonymous variant.
Genome position (GRCh38, 1-based): chr7:103,535,321, A>G on the plus strand (T>C on the coding strand, the complement: RELN is on the minus strand). VCF-style: chr7-103535321-A-G. GRCh37 (hg19) VCF-style: chr7-103175768-A-G.
Other names: c.7344T>C, p.Tyr2448= (NM_173054.3).
Identifiers: ClinVar variation 1674482 (VCV001674482.21), dbSNP rs2117118185, ClinGen allele CA457030665.
Genomic context (GRCh38, chr7:103,535,321, plus strand): 5'-CATTTGGGCTCACTATACGTAGAAGCATGTGGTGAACATGTAGAAGCATTCTTACCTGGT[A>G]TAAGGAGGGAGAGGCAGAGTGATTCTAGTCCACTTGTTGAAAGTGTCTGACACCAGGATC-3'
Protein context (NP_005036.2, residues 2438-2458): WTRITLPLPP[Tyr2448=]TRSQATRFRW